The following is an entry in ClinVar:

NM_000260.4(MYO7A):c.5077G>T (p.Asp1693Tyr)

Gene: MYO7A (myosin VIIA; plus strand). Cytogenetic location: 11q13.5.
Variant type: single nucleotide variant.
Coding change: c.5077G>T on transcript NM_000260.4 (MANE Select); coding-DNA position 5077, G replaced by T.
Protein change: p.Asp1693Tyr; replaces aspartic acid 1693 with tyrosine.
Molecular consequence: missense variant.
Genome position (GRCh38, 1-based): chr11:77,202,333, G>T. VCF-style: chr11-77202333-G-T. GRCh37 (hg19) VCF-style: chr11-76913378-G-T.
Other names: c.4963G>T, p.Asp1655Tyr (NM_001127180.2); c.4930G>T, p.Asp1644Tyr (NM_001369365.1); short protein forms D1644Y, D1655Y, D1693Y.
Identifiers: ClinVar variation 4999727 (VCV004999727.1).

ClinVar aggregate classification (germline): Uncertain significance (1 of 4 stars; one submission).

Conditions:
MYO7A-related disorder. Also called: MYO7A-related disorders.

gnomAD v4.1: 1 of 1,583,274 alleles (0.000063%); highest among the groups gnomAD compares: Non-Finnish European, 0.000086%; no homozygotes.

Submission:

PreventionGenetics, part of Exact Sciences
Classification: Uncertain significance for MYO7A-related condition. Last evaluated: 2026-06-03. Review status: criteria provided, single submitter. Criteria: ACMG Guidelines, 2015. Collection method: clinical testing. Allele origin: germline.
Comment: The MYO7A c.5077G>T variant is predicted to result in the amino acid substitution p.Asp1693Tyr. To our knowledge, this variant has not been reported in the literature or in a large population database (gnomAD), indicating this variant is rare. At this time, the clinical significance of this variant is uncertain due to the absence of conclusive functional and genetic evidence.